The following is an entry in ClinVar:

NM_018341.3(ERMARD):c.1372G>C (p.Glu458Gln)

Gene: ERMARD (ER membrane associated RNA degradation; plus strand). Cytogenetic location: 6q27.
Variant type: single nucleotide variant.
Coding change: c.1372G>C on transcript NM_018341.3 (MANE Select); coding-DNA position 1372, G replaced by C.
Protein change: p.Glu458Gln; replaces glutamic acid 458 with glutamine.
Molecular consequence: missense variant.
Genome position (GRCh38, 1-based): chr6:169,775,324, G>C. VCF-style: chr6-169775324-G-C. GRCh37 (hg19) VCF-style: chr6-170175420-G-C.
Other names: c.1372G>C, p.Glu458Gln (NM_001278531.2, NM_001278533.2); c.994G>C, p.Glu332Gln (NM_001278532.2); c.964G>C, p.Glu322Gln (NM_001410957.1); short protein forms E322Q, E332Q, E458Q.
Identifiers: ClinVar variation 3609824 (VCV003609824.2).

ClinVar aggregate classification (germline): Uncertain significance (1 of 4 stars; one submission).

gnomAD v4.1: 23 of 1,614,058 alleles (0.0014%); highest among the groups gnomAD compares: Non-Finnish European, 0.0019%; no homozygotes.

Submission:

Labcorp Genetics (formerly Invitae), Labcorp
Classification: Uncertain significance. Last evaluated: 2024-12-09. Review status: criteria provided, single submitter. Criteria: Invitae Variant Classification Sherloc (09022015). Collection method: clinical testing. Allele origin: germline.
Comment: This sequence change replaces glutamic acid, which is acidic and polar, with glutamine, which is neutral and polar, at codon 458 of the ERMARD protein (p.Glu458Gln). This variant is present in population databases (rs753334453, gnomAD 0.002%). This variant has not been reported in the literature in individuals affected with ERMARD-related conditions. Invitae Evidence Modeling of protein sequence and biophysical properties (such as structural, functional, and spatial information, amino acid conservation, physicochemical variation, residue mobility, and thermodynamic stability) indicates that this missense variant is not expected to disrupt ERMARD protein function with a negative predictive value of 80%. Algorithms developed to predict the effect of sequence changes on RNA splicing suggest that this variant may disrupt the consensus splice site. In summary, the available evidence is currently insufficient to determine the role of this variant in disease. Therefore, it has been classified as a Variant of Uncertain Significance.